The following is an entry in ClinVar:

ClinVar aggregate classification (germline): Likely benign (1 of 4 stars; one submission).

Conditions:
PHIP-related disorder. Also called: PHIP-related disorders; PHIP-related condition.

gnomAD v4.1: 24 of 1,609,646 alleles (0.0015%); highest among the groups gnomAD compares: Non-Finnish European, 0.002%; no homozygotes.

Submission:

PreventionGenetics, part of Exact Sciences
Classification: Likely benign for PHIP-related condition. Last evaluated: 2026-09-03. Review status: criteria provided, single submitter. Criteria: ACMG Guidelines, 2015. Collection method: clinical testing. Allele origin: germline.
Comment: This variant is classified as likely benign based on ACMG/AMP sequence variant interpretation guidelines (Richards et al. 2015 PMID: 25741868, with internal and published modifications).

NM_017934.7(PHIP):c.468T>C (p.Asn156=)

Gene: PHIP (PHIP subunit of CUL4-Ring ligase complex; minus strand). Cytogenetic location: 6q14.1.
Variant type: single nucleotide variant.
Coding change: c.468T>C on transcript NM_017934.7 (MANE Select); coding-DNA position 468, T replaced by C.
Protein change: p.Asn156=; no amino-acid change (asparagine 156 retained).
Molecular consequence: synonymous variant.
Genome position (GRCh38, 1-based): chr6:79,042,975, A>G on the plus strand (T>C on the coding strand, the complement: PHIP is on the minus strand). VCF-style: chr6-79042975-A-G. GRCh37 (hg19) VCF-style: chr6-79752692-A-G.
Identifiers: ClinVar variation 4980713 (VCV004980713.1).
Genomic context (GRCh38, chr6:79,042,975, plus strand): 5'-ATGCATTTTCATGTGCTGATACACTGCAGTTGGAACAAGTCGCTCAAGTCTGTATTTCCC[A>G]TTCAGCTTCCTTGAAAACAGAGTATCCGCTACCAAGAAAAAGAAGGAAAATAAATGTAAT-3'
Protein context (NP_060404.4, residues 146-166): IADTLFSRKL[Asn156=]GKYRLERLVP